The following is an entry in ClinVar:

NM_001040142.2(SCN2A):c.1398C>T (p.Ala466=)

Gene: SCN2A (sodium voltage-gated channel alpha subunit 2; plus strand). Cytogenetic location: 2q24.3.
Variant type: single nucleotide variant.
Coding change: c.1398C>T on transcript NM_001040142.2 (MANE Select); coding-DNA position 1398, C replaced by T.
Protein change: p.Ala466=; no amino-acid change (alanine 466 retained).
Molecular consequence: synonymous variant.
Genome position (GRCh38, 1-based): chr2:165,315,485, C>T. VCF-style: chr2-165315485-C-T. GRCh37 (hg19) VCF-style: chr2-166171995-C-T.
Other names: c.1398C>T, p.Ala466= (NM_001040143.2, NM_001371246.1, NM_001371247.1 and 1 more transcripts); c.1398C>T (NM_021007.2).
Identifiers: ClinVar variation 1077386 (VCV001077386.10), dbSNP rs373430899, ClinGen allele CA1939818.

ClinVar aggregate classification (germline): Likely benign. Review status: criteria provided, multiple submitters, no conflicts (2 of 4 stars). 2 submissions from 2 submitters: Likely benign (2). Last evaluated 2025-06-25.

Conditions:
SCN2A-related disorder. Also called: SCN2A-related condition; SCN2A-related disorders. Identifiers: MedGen CN382226, MONDO:1060245.
Developmental and epileptic encephalopathy, 11 (DEE11). Also called: Early infantile epileptic encephalopathy 11. Identifiers: Orphanet 1934, MedGen C3150987, MONDO:0013388, OMIM 613721.
Seizures, benign familial infantile, 3 (BFIS3). Also called: CONVULSIONS, BENIGN FAMILIAL INFANTILE, 3; Familial neonatal seizures. Identifiers: Orphanet 140927, Orphanet 306, MedGen C1843140, MONDO:0011904, OMIM 607745.

Allele frequency attached by ClinVar (database versions not stated): ExAC 0.00001; gnomAD 0.00001; TOPMed 0.00001; gnomAD exomes 0.00002; ESP Exome Variant Server 0.00008.
gnomAD v4.1: 34 of 1,613,590 alleles (0.0021%); highest among the groups gnomAD compares: South Asian, 0.0088%; no homozygotes.

Submissions (2):

PreventionGenetics, part of Exact Sciences
Classification: Likely benign for SCN2A-related condition. Last evaluated: 2025-06-25. Review status: criteria provided, single submitter. Criteria: ACMG Guidelines, 2015. Collection method: clinical testing. Allele origin: germline.
Comment: This variant is classified as likely benign based on ACMG/AMP sequence variant interpretation guidelines (Richards et al. 2015 PMID: 25741868, with internal and published modifications).

Labcorp Genetics (formerly Invitae), Labcorp
Classification: Likely benign for Seizures, benign familial infantile, 3; Developmental and epileptic encephalopathy, 11. Last evaluated: 2024-10-17. Review status: criteria provided, single submitter. Criteria: Invitae Variant Classification Sherloc (09022015). Collection method: clinical testing. Allele origin: germline.